The following is an entry in ClinVar:

NM_001010874.5(TECRL):c.350A>T (p.Asp117Val)

Gene: TECRL (trans-2,3-enoyl-CoA reductase like; minus strand). Cytogenetic location: 4q13.1.
Variant type: single nucleotide variant.
Coding change: c.350A>T on transcript NM_001010874.5 (MANE Select); coding-DNA position 350, A replaced by T.
Protein change: p.Asp117Val; replaces aspartic acid 117 with valine.
Molecular consequence: missense variant.
Genome position (GRCh38, 1-based): chr4:64,322,774, T>A on the plus strand (A>T on the coding strand, the complement: TECRL is on the minus strand). VCF-style: chr4-64322774-T-A. GRCh37 (hg19) VCF-style: chr4-65188492-T-A.
Other names: c.350A>T, p.Asp117Val (NM_001363796.1); short protein forms D117V.
Identifiers: ClinVar variation 3454641 (VCV003454641.1).

ClinVar aggregate classification (germline): Uncertain significance (1 of 4 stars; one submission).

Conditions:
Cardiovascular phenotype. Identifiers: MedGen CN230736.

gnomAD v4.1: 1 of 1,605,272 alleles (0.000062%); highest among the groups gnomAD compares: Admixed American, 0.0017%; no homozygotes.

Submission:

Ambry Genetics
Classification: Uncertain significance for Cardiovascular phenotype. Last evaluated: 2024-12-05. Review status: criteria provided, single submitter. Criteria: Ambry Variant Classification Scheme 2023. Collection method: clinical testing. Allele origin: germline.
Comment: The p.D117V variant (also known as c.350A>T), located in coding exon 4 of the TECRL gene, results from an A to T substitution at nucleotide position 350. The aspartic acid at codon 117 is replaced by valine, an amino acid with highly dissimilar properties. This amino acid position is conserved. In addition, the in silico prediction for this alteration is inconclusive. Based on the available evidence, the clinical significance of this variant remains unclear.